The following is an entry in ClinVar:

NM_004560.4(ROR2):c.1873G>A (p.Asp625Asn)

Gene: ROR2 (receptor tyrosine kinase like orphan receptor 2; minus strand). Cytogenetic location: 9q22.31.
Variant type: single nucleotide variant.
Coding change: c.1873G>A on transcript NM_004560.4 (MANE Select); coding-DNA position 1873, G replaced by A.
Protein change: p.Asp625Asn; replaces aspartic acid 625 with asparagine.
Molecular consequence: missense variant.
Genome position (GRCh38, 1-based): chr9:91,724,621, C>T on the plus strand (G>A on the coding strand, the complement: ROR2 is on the minus strand). VCF-style: chr9-91724621-C-T. GRCh37 (hg19) VCF-style: chr9-94486903-C-T.
Other names: short protein forms D625N.
Identifiers: ClinVar variation 1056684 (VCV001056684.8), dbSNP rs754476697, ClinGen allele CA5120540.
Genomic context (GRCh38, chr9:91,724,621, plus strand): 5'-AATCGGCGGCATACACCTCTCGGAAGAGGCCCAAGTCTGAGATCTTCACGTTCAGCTTGT[C>T]GTACACTAGCACATTGCGGGTGGCCAGGTCCTTGTGAACCACGTGGTGGCTGGATAGGTA-3'
Protein context (NP_004551.2, residues 615-635): DLATRNVLVY[Asp625Asn]KLNVKISDLG

ClinVar aggregate classification (germline): Uncertain significance. Review status: criteria provided, multiple submitters, no conflicts (2 of 4 stars). 2 submissions from 2 submitters: Uncertain significance (2). Last evaluated 2025-02-27.

Conditions:
Autosomal recessive Robinow syndrome (RRS1). Also called: ROR2-Related Robinow Syndrome; COSTOVERTEBRAL SEGMENTATION DEFECT WITH MESOMELIA; COVESDEM SYNDROME; ROBINOW SYNDROME, AUTOSOMAL RECESSIVE 1. Identifiers: Orphanet 1507, Orphanet 97360, MedGen C5399974, MONDO:0009999, OMIM 268310.
Brachydactyly type B1 (BDB1). Identifiers: Orphanet 572385, Orphanet 93383, MedGen C1862112, MONDO:0007220, OMIM 113000.

Allele frequency attached by ClinVar (database versions not stated): gnomAD exomes 0.00001 and 0.00003; TOPMed 0.00002; gnomAD 0.00003; ExAC 0.00004.
gnomAD v4.1: 22 of 1,614,088 alleles (0.0014%); highest among the groups gnomAD compares: East Asian, 0.0067%; no homozygotes.

Submissions (2):

Labcorp Genetics (formerly Invitae), Labcorp
Classification: Uncertain significance. Last evaluated: 2025-02-27. Review status: criteria provided, single submitter. Criteria: Invitae Variant Classification Sherloc (09022015). Collection method: clinical testing. Allele origin: germline.
Comment: This sequence change replaces aspartic acid, which is acidic and polar, with asparagine, which is neutral and polar, at codon 625 of the ROR2 protein (p.Asp625Asn). This variant is present in population databases (rs754476697, gnomAD 0.01%). This variant has not been reported in the literature in individuals affected with ROR2-related conditions. ClinVar contains an entry for this variant (Variation ID: 1056684). Invitae Evidence Modeling of protein sequence and biophysical properties (such as structural, functional, and spatial information, amino acid conservation, physicochemical variation, residue mobility, and thermodynamic stability) indicates that this missense variant is not expected to disrupt ROR2 protein function with a negative predictive value of 80%. In summary, the available evidence is currently insufficient to determine the role of this variant in disease. Therefore, it has been classified as a Variant of Uncertain Significance.

Fulgent Genetics
Classification: Uncertain significance for Brachydactyly type B1; Autosomal recessive Robinow syndrome. Last evaluated: 2024-06-10. Review status: criteria provided, single submitter. Criteria: ACMG Guidelines, 2015. Collection method: clinical testing. Allele origin: germline.